The following is an entry in ClinVar:

ClinVar aggregate classification (germline): Uncertain significance (1 of 4 stars; one submission).

Conditions:
Lymphoproliferative syndrome 1 (LPFS1). Identifiers: Orphanet 238505, Orphanet 538963, MedGen C3552634, MONDO:0013081, OMIM 613011.

Submission:

Labcorp Genetics (formerly Invitae), Labcorp
Classification: Uncertain significance for Lymphoproliferative syndrome 1. Last evaluated: 2024-04-25. Review status: criteria provided, single submitter. Criteria: Invitae Variant Classification Sherloc (09022015). Collection method: clinical testing. Allele origin: germline.
Comment: This sequence change replaces lysine, which is basic and polar, with methionine, which is neutral and non-polar, at codon 48 of the ITK protein (p.Lys48Met). This variant is not present in population databases (gnomAD no frequency). This variant has not been reported in the literature in individuals affected with ITK-related conditions. Advanced modeling of protein sequence and biophysical properties (such as structural, functional, and spatial information, amino acid conservation, physicochemical variation, residue mobility, and thermodynamic stability) performed at Invitae indicates that this missense variant is not expected to disrupt ITK protein function with a negative predictive value of 95%. In summary, the available evidence is currently insufficient to determine the role of this variant in disease. Therefore, it has been classified as a Variant of Uncertain Significance.

NM_005546.4(ITK):c.143A>T (p.Lys48Met)

Gene: ITK (IL2 inducible T cell kinase; plus strand). Cytogenetic location: 5q33.3.
Variant type: single nucleotide variant.
Coding change: c.143A>T on transcript NM_005546.4 (MANE Select); coding-DNA position 143, A replaced by T.
Protein change: p.Lys48Met; replaces lysine 48 with methionine.
Molecular consequence: missense variant.
Genome position (GRCh38, 1-based): chr5:157,208,893, A>T. VCF-style: chr5-157208893-A-T. GRCh37 (hg19) VCF-style: chr5-156635904-A-T.
Other names: short protein forms K48M.
Identifiers: ClinVar variation 3635560 (VCV003635560.2).